The following is an entry in ClinVar:

ClinVar aggregate classification (germline): Pathogenic (1 of 4 stars; one submission).

Conditions:
Glucose-6-phosphate transport defect (GSD1B). Also called: Glycogen Storage Disease Type Ib; GSD Ib. Identifiers: Orphanet 364, Orphanet 79259, MedGen C0268146, MONDO:0009288, OMIM 232220.

Allele frequency attached by ClinVar (database versions not stated): gnomAD exomes below 0.00001.

Submission:

Labcorp Genetics (formerly Invitae), Labcorp
Classification: Pathogenic for Glucose-6-phosphate transport defect. Last evaluated: 2023-08-28. Review status: criteria provided, single submitter. Criteria: Invitae Variant Classification Sherloc (09022015). Collection method: clinical testing. Allele origin: germline.
Comment: This variant is not present in population databases (gnomAD no frequency). For these reasons, this variant has been classified as Pathogenic. This premature translational stop signal has been observed in individual(s) with autosomal recessive glycogen storage disease (PMID: 10482962). This sequence change creates a premature translational stop signal (p.Trp78*) in the SLC37A4 gene. It is expected to result in an absent or disrupted protein product. Loss-of-function variants in SLC37A4 are known to be pathogenic (PMID: 9758626, 10940311).

Literature cited by the submitters: PubMed 10482962; PubMed 9758626; PubMed 10940311.

NM_001164277.2(SLC37A4):c.233G>A (p.Trp78Ter)

Gene: SLC37A4 (solute carrier family 37 member 4; minus strand). Cytogenetic location: 11q23.3.
Variant type: single nucleotide variant.
Coding change: c.233G>A on transcript NM_001164277.2 (MANE Select); coding-DNA position 233, G replaced by A.
Protein change: p.Trp78Ter; replaces tryptophan 78 with a stop codon.
Molecular consequence: nonsense.
Genome position (GRCh38, 1-based): chr11:119,028,342, C>T on the plus strand (G>A on the coding strand, the complement: SLC37A4 is on the minus strand). VCF-style: chr11-119028342-C-T. GRCh37 (hg19) VCF-style: chr11-118899052-C-T.
Other names: c.233G>A, p.Trp78Ter (NM_001164278.2, NM_001164280.2, NM_001467.6); c.14G>A, p.Trp5Ter (NM_001164279.2); short protein forms W5*, W78*.
Identifiers: ClinVar variation 2787079 (VCV002787079.3), dbSNP rs1943638687, ClinGen allele CA382905808.